The following is an entry in ClinVar:

NM_000038.6(APC):c.338T>C (p.Val113Ala)

Gene: APC (APC regulator of Wnt signaling pathway; plus strand). Cytogenetic location: 5q22.2.
Variant type: single nucleotide variant.
Coding change: c.338T>C on transcript NM_000038.6 (MANE Select); coding-DNA position 338, T replaced by C.
Protein change: p.Val113Ala; replaces valine 113 with alanine.
Molecular consequence: missense variant. On other transcripts: 5 prime UTR variant (1).
Genome position (GRCh38, 1-based): chr5:112,767,306, T>C. VCF-style: chr5-112767306-T-C. GRCh37 (hg19) VCF-style: chr5-112103003-T-C.
Other names: c.338T>C, p.Val113Ala (NM_001127510.3, NM_001354895.2, NM_001354896.2 and 2 more transcripts); c.368T>C, p.Val123Ala (NM_001127511.3, NM_001354897.2, NM_001354902.2); c.263T>C, p.Val88Ala (NM_001354898.2, NM_001354904.2); c.161T>C, p.Val54Ala (NM_001354900.2, NM_001354901.2, NM_001354905.2); c.-698T>C (NM_001354906.2); short protein forms V113A, V123A, V54A, V88A.
Identifiers: ClinVar variation 216161 (VCV000216161.13), dbSNP rs863224542, ClinGen allele CA339132.
Genomic context (GRCh38, chr5:112,767,306, plus strand): 5'-TCCGTTCTTATGGAAGCCGGGAAGGATCTGTATCAAGCCGTTCTGGAGAGTGCAGTCCTG[T>C]TCCTATGGGTTCATTTCCAAGAAGAGGGTTTGTAAATGGAAGCAGAGAAAGTACTGGATA-3'
Protein context (NP_000029.2, residues 103-123): VSSRSGECSP[Val113Ala]PMGSFPRRGF

ClinVar aggregate classification (germline): Uncertain significance (1 of 4 stars; one submission).

Conditions:
Familial adenomatous polyposis 1 (FAP1). Also called: FAMILIAL ADENOMATOUS POLYPOSIS 1, ATTENUATED; POLYPOSIS, ADENOMATOUS INTESTINAL. Identifiers: MedGen C2713442, MONDO:0021056, OMIM 175100. Disease mechanism: loss of function.

Submission:

Labcorp Genetics (formerly Invitae), Labcorp
Classification: Uncertain significance for Familial adenomatous polyposis 1. Last evaluated: 2022-08-10. Review status: criteria provided, single submitter. Criteria: Invitae Variant Classification Sherloc (09022015). Collection method: clinical testing. Allele origin: germline.
Comment: This sequence change replaces valine, which is neutral and non-polar, with alanine, which is neutral and non-polar, at codon 113 of the APC protein (p.Val113Ala). In summary, the available evidence is currently insufficient to determine the role of this variant in disease. Therefore, it has been classified as a Variant of Uncertain Significance. Algorithms developed to predict the effect of missense changes on protein structure and function (SIFT, PolyPhen-2, Align-GVGD) all suggest that this variant is likely to be tolerated. ClinVar contains an entry for this variant (Variation ID: 216161). This variant has not been reported in the literature in individuals affected with APC-related conditions. This variant is not present in population databases (gnomAD no frequency).